The following is an entry in ClinVar:

NM_003356.4(UCP3):c.236A>G (p.Asn79Ser)

Gene: UCP3 (uncoupling protein 3; minus strand). Cytogenetic location: 11q13.4.
Variant type: single nucleotide variant.
Coding change: c.236A>G on transcript NM_003356.4 (MANE Select); coding-DNA position 236, A replaced by G.
Protein change: p.Asn79Ser; replaces asparagine 79 with serine.
Molecular consequence: missense variant.
Genome position (GRCh38, 1-based): chr11:74,006,270, T>C on the plus strand (A>G on the coding strand, the complement: UCP3 is on the minus strand). VCF-style: chr11-74006270-T-C. GRCh37 (hg19) VCF-style: chr11-73717315-T-C.
Other names: c.236A>G, p.Asn79Ser (NM_022803.3); short protein forms N79S.
Identifiers: ClinVar variation 3185991 (VCV003185991.2), dbSNP rs776933539, ClinGen allele CA6181574.

ClinVar aggregate classification (germline): Uncertain significance. Review status: criteria provided, multiple submitters, no conflicts (2 of 4 stars). 2 submissions from 2 submitters: Uncertain significance (2). Last evaluated 2026-06-19.

Conditions:
UCP3-related disorder. Also called: UCP3-related condition.

Allele frequency attached by ClinVar (database versions not stated): ExAC 0.00001; gnomAD 0.00001; gnomAD exomes 0.00001; TOPMed 0.00002.
gnomAD v4.1: 17 of 1,613,454 alleles (0.0011%); highest among the groups gnomAD compares: South Asian, 0.0022%; no homozygotes.

Submissions (2):

PreventionGenetics, part of Exact Sciences
Classification: Uncertain significance for UCP3-related condition. Last evaluated: 2026-06-19. Review status: criteria provided, single submitter. Criteria: ACMG Guidelines, 2015. Collection method: clinical testing. Allele origin: germline.
Comment: The UCP3 c.236A>G variant is predicted to result in the amino acid substitution p.Asn79Ser. To our knowledge, this variant has not been reported in the literature. This variant is reported in 0.0065% of alleles in individuals of South Asian descent in gnomAD. At this time, the clinical significance of this variant is uncertain due to the absence of conclusive functional and genetic evidence.

Ambry Genetics
Classification: Uncertain significance. Last evaluated: 2023-09-22. Review status: criteria provided, single submitter. Criteria: Ambry Variant Classification Scheme 2023. Collection method: clinical testing. Allele origin: germline.